The following is an entry in ClinVar:

NM_001378120.1(MBD5):c.*50A>G

Gene: MBD5 (methyl-CpG binding domain protein 5; plus strand). Cytogenetic location: 2q23.1.
Variant type: single nucleotide variant.
Coding change: c.*50A>G on transcript NM_001378120.1 (MANE Select); 50 bases downstream of the stop codon, A replaced by G.
Molecular consequence: 3 prime UTR variant.
Genome position (GRCh38, 1-based): chr2:148,512,991, A>G. VCF-style: chr2-148512991-A-G. GRCh37 (hg19) VCF-style: chr2-149270560-A-G.
Other names: c.*50A>G (NM_018328.5).
Identifiers: ClinVar variation 1683835 (VCV001683835.2), dbSNP rs113386382, ClinGen allele CA1900574.

ClinVar aggregate classification (germline): Likely benign (1 of 4 stars; one submission).

Allele frequency attached by ClinVar (database versions not stated): gnomAD exomes 0.00007; ExAC 0.00012; ESP Exome Variant Server 0.00031; gnomAD 0.00036 and 0.00038; TOPMed 0.00037.
gnomAD v4.1: 96 of 1,502,914 alleles (0.0064%); highest among the groups gnomAD compares: African/African-American, 0.1%; no homozygotes.

Submission:

GeneDx
Classification: Likely benign. Last evaluated: 2021-10-27. Review status: criteria provided, single submitter. Criteria: GeneDx Variant Classification Process June 2021. Collection method: clinical testing. Allele origin: germline. Affected: yes.
Comment: See Variant Classification Assertion Criteria.